The following is an entry in ClinVar:

ClinVar aggregate classification (germline): Uncertain significance (1 of 4 stars; one submission).

Conditions:
ALMS1-related disorder. Also called: ALMS1-related condition.

Submission:

PreventionGenetics, part of Exact Sciences
Classification: Uncertain significance for ALMS1-related condition. Last evaluated: 2026-03-09. Review status: criteria provided, single submitter. Criteria: ACMG Guidelines, 2015. Collection method: clinical testing. Allele origin: germline.
Comment: The ALMS1 c.11054A>T variant is predicted to result in the amino acid substitution p.His3685Leu. To our knowledge, this variant has not been reported in the literature. This variant is reported in 0.0029% of alleles in individuals of Latino descent in gnomAD. At this time, the clinical significance of this variant is uncertain due to the absence of conclusive functional and genetic evidence.

NM_001378454.1(ALMS1):c.11051A>T (p.Lys3684Ile)

Gene: ALMS1 (ALMS1 centrosome and basal body associated protein; plus strand). Cytogenetic location: 2p13.1.
Variant type: single nucleotide variant.
Coding change: c.11051A>T on transcript NM_001378454.1 (MANE Select); coding-DNA position 11051, A replaced by T.
Protein change: p.Lys3684Ile; replaces lysine 3684 with isoleucine.
Molecular consequence: missense variant.
Genome position (GRCh38, 1-based): chr2:73,572,928, A>T. VCF-style: chr2-73572928-A-T. GRCh37 (hg19) VCF-style: chr2-73800055-A-T.
Other names: c.11054A>T, p.Lys3685Ile (NM_015120.4); short protein forms K3684I, K3685I.
Identifiers: ClinVar variation 5000883 (VCV005000883.1).
Genomic context (GRCh38, chr2:73,572,928, plus strand): 5'-GTGGTAGACAACAGCAGAGAAATAAGCTTCAGAAAAAGAAGCGGTTTAAAAGCCTAGAGA[A>T]AAGCCATAAAAATACAGGCGAGCTTAAAAAAAGCAAGGTGCTTTCTCATCATCGAGCTGG-3'
Protein context (NP_001365383.1, residues 3674-3694): QKKKRFKSLE[Lys3684Ile]SHKNTGELKK